The following is an entry in ClinVar:

NM_001159699.2(FHL1):c.278A>G (p.Asn93Ser)

Gene: FHL1 (four and a half LIM domains 1; plus strand). Cytogenetic location: Xq26.3.
Variant type: single nucleotide variant.
Coding change: c.278A>G on transcript NM_001159699.2 (MANE Select); coding-DNA position 278, A replaced by G.
Protein change: p.Asn93Ser; replaces asparagine 93 with serine.
Molecular consequence: missense variant. On other transcripts: non-coding transcript variant (1).
Genome position (GRCh38, 1-based): chrX:136,207,089, A>G. VCF-style: chrX-136207089-A-G. GRCh37 (hg19) VCF-style: chrX-135289248-A-G.
Other names: c.230A>G, p.Asn77Ser (NM_001159700.2, NM_001159702.3, NM_001159703.2 and 9 more transcripts); c.317A>G, p.Asn106Ser (NM_001159701.2); c.278A>G, p.Asn93Ser (NM_001330659.2); short protein forms N93S, N77S, N106S.
Identifiers: ClinVar variation 660940 (VCV000660940.7), dbSNP rs761300463, ClinGen allele CA10524975.

ClinVar aggregate classification (germline): Conflicting classifications of pathogenicity. Review status: criteria provided, conflicting classifications (1 of 4 stars). 3 submissions from 3 submitters: Uncertain significance (2); Likely benign (1). Last evaluated 2026-06-05.

Conditions:
Cardiovascular phenotype. Identifiers: MedGen CN230736.
X-linked myopathy with postural muscle atrophy. Also called: FHL1-Related Emery-Dreifuss Muscular Dystrophy, X-Linked. Identifiers: Orphanet 178461, MedGen C2678055, MONDO:0010401, OMIM 300696.

Allele frequency attached by ClinVar (database versions not stated): gnomAD exomes 0.00001 and 0.00003; ExAC 0.00003; gnomAD 0.00009; TOPMed 0.00014; 1000 Genomes Project 0.00053; 1000 Genomes Project 30x 0.00062.
gnomAD v4.1: 48 of 1,210,223 alleles (0.004%); highest among the groups gnomAD compares: African/African-American, 0.024%; no homozygotes.

Submissions (3):

Women's Health and Genetics/Laboratory Corporation of America, LabCorp
Classification: Uncertain significance. Last evaluated: 2026-06-05. Review status: criteria provided, single submitter. Criteria: LabCorp Variant Classification Summary - May 2015. Collection method: clinical testing. Allele origin: germline.
Comment: Variant summary: FHL1 c.230A>G (p.Asn77Ser) results in a conservative amino acid change in the encoded protein sequence. Algorithms developed to predict the effect of missense changes on protein structure and function all suggest that this variant is likely to be tolerated. The variant allele was found at a frequency of 1.1e-05 in 183106 control chromosomes. The available data on variant occurrences in the general population are insufficient to allow any conclusion about variant significance. To our knowledge, no occurrence of c.230A>G in individuals affected with FHL1-related conditions and no experimental evidence demonstrating its impact on protein function have been reported. ClinVar contains an entry for this variant (Variation ID: 660940). Based on the evidence outlined above, the variant was classified as uncertain significance.

Labcorp Genetics (formerly Invitae), Labcorp
Classification: Uncertain significance for X-linked myopathy with postural muscle atrophy. Last evaluated: 2025-02-02. Review status: criteria provided, single submitter. Criteria: Invitae Variant Classification Sherloc (09022015). Collection method: clinical testing. Allele origin: germline.
Comment: This sequence change replaces asparagine, which is neutral and polar, with serine, which is neutral and polar, at codon 77 of the FHL1 protein (p.Asn77Ser). This variant is present in population databases (rs761300463, gnomAD 0.008%). This variant has not been reported in the literature in individuals affected with FHL1-related conditions. ClinVar contains an entry for this variant (Variation ID: 660940). An algorithm developed to predict the effect of missense changes on protein structure and function outputs the following: PolyPhen-2: "Benign". The serine amino acid residue is found in multiple mammalian species, which suggests that this missense change does not adversely affect protein function. In summary, the available evidence is currently insufficient to determine the role of this variant in disease. Therefore, it has been classified as a Variant of Uncertain Significance.

Ambry Genetics
Classification: Likely benign for Cardiovascular phenotype. Last evaluated: 2022-12-07. Review status: criteria provided, single submitter. Criteria: Ambry Variant Classification Scheme 2023. Collection method: clinical testing. Allele origin: germline.